The following is an entry in ClinVar:

ClinVar aggregate classification (germline): Likely pathogenic. Review status: criteria provided, multiple submitters, no conflicts (2 of 4 stars). 2 submissions from 2 submitters: Likely pathogenic (2). Last evaluated 2022-09-02.

Conditions:
Pulmonary hypertension, neonatal, susceptibility to (PHN). Identifiers: MedGen C3714958, MONDO:0014151, OMIM 615371.
Congenital hyperammonemia, type I. Also called: Carbamoyl phosphate synthetase I deficiency disease; Carbamoyl phosphate synthetase 1 deficiency; Hyperammonemia due to carbamoyl phosphate synthetase 1 deficiency; CPS 1 deficiency; Carbamyl phosphate synthetase (CPS) deficiency; CPS I DEFICIENCY. Identifiers: Orphanet 147, MedGen C4082171, MONDO:0009376, OMIM 237300.

Submissions (2):

Baylor Genetics
Classification: Likely pathogenic for Pulmonary hypertension, neonatal, susceptibility to. Last evaluated: 2022-09-02. Review status: criteria provided, single submitter. Criteria: ACMG Guidelines, 2015. Collection method: clinical testing. Allele origin: unknown.

Labcorp Genetics (formerly Invitae), Labcorp
Classification: Likely pathogenic for Congenital hyperammonemia, type I. Last evaluated: 2020-10-14. Review status: criteria provided, single submitter. Criteria: Invitae Variant Classification Sherloc (09022015). Collection method: clinical testing. Allele origin: germline.
Comment: This sequence change affects a donor splice site in intron 8 of the CPS1 gene. It is expected to disrupt RNA splicing and likely results in an absent or disrupted protein product. In summary, the currently available evidence indicates that the variant is pathogenic, but additional data are needed to prove that conclusively. Therefore, this variant has been classified as Likely Pathogenic. Donor and acceptor splice site variants typically lead to a loss of protein function (PMID: 16199547), and loss-of-function variants in CPS1 are known to be pathogenic (PMID: 21120950). Algorithms developed to predict the effect of sequence changes on RNA splicing suggest that this variant may disrupt the consensus splice site, but this prediction has not been confirmed by published transcriptional studies. This variant has not been reported in the literature in individuals with CPS1-related conditions. This variant is not present in population databases (ExAC no frequency).

Literature cited by the submitters: PubMed 16199547 (cited by Labcorp Genetics (formerly Invitae), Labcorp); PubMed 21120950 (cited by Labcorp Genetics (formerly Invitae), Labcorp).

NM_001875.5(CPS1):c.840+1G>T

Gene: CPS1 (carbamoyl-phosphate synthase 1; plus strand). Cytogenetic location: 2q34.
Variant type: single nucleotide variant.
Coding change: c.840+1G>T on transcript NM_001875.5 (MANE Select); the canonical splice donor site of the intron after coding-DNA position 840, G replaced by T.
Molecular consequence: splice donor variant.
Genome position (GRCh38, 1-based): chr2:210,590,235, G>T. VCF-style: chr2-210590235-G-T. GRCh37 (hg19) VCF-style: chr2-211454959-G-T.
Other names: c.840+1G>T (NM_001369257.1, NM_001122633.3); c.873+1G>T (NM_001369256.1).
Identifiers: ClinVar variation 1068171 (VCV001068171.8), dbSNP rs1206168005, ClinGen allele CA350430021.